The following is an entry in ClinVar:

ClinVar aggregate classification (germline): Benign/Likely benign. Review status: criteria provided, multiple submitters, no conflicts (2 of 4 stars). 7 submissions from 7 submitters: Benign (4); Likely benign (2). 1 of the submissions does not count toward it. Last evaluated 2026-01-22.

Conditions:
TRPM1-related disorder. Also called: TRPM1-related condition.
Congenital stationary night blindness 1C. Also called: Night blindness, congenital stationary (complete), 1C, autosomal recessive. Identifiers: Orphanet 215, MedGen C2750747, MONDO:0013183, OMIM 613216.
Cone-rod dystrophy. Also called: Cone-rod degeneration; Cone/cone-rod dystrophy. Identifiers: Orphanet 1872, MedGen C4085590, MONDO:0015993, HP:0000548.

Allele frequency attached by ClinVar (database versions not stated): 1000 Genomes Project 30x 0.00156; 1000 Genomes Project 0.00160; ESP Exome Variant Server 0.00480; TOPMed 0.00490.
gnomAD v4.1: 12,638 of 1,614,198 alleles (0.78%); highest among the groups gnomAD compares: Non-Finnish European, 0.95%; 60 homozygotes.

Submissions (7):

Labcorp Genetics (formerly Invitae), Labcorp
Classification: Benign. Last evaluated: 2026-01-22. Review status: criteria provided, single submitter. Criteria: Invitae Variant Classification Sherloc (09022015). Collection method: clinical testing. Allele origin: germline.

Blueprint Genetics
Classification: Likely benign. Last evaluated: 2024-11-27. Review status: criteria provided, single submitter. Criteria: ACMG Guidelines, 2015. Collection method: clinical testing. Allele origin: germline.

CeGaT Center for Human Genetics Tuebingen
Classification: Likely benign. Last evaluated: 2024-08-01. Review status: criteria provided, single submitter. Criteria: CeGaT Center For Human Genetics Tuebingen Variant Classification Criteria Version 2. Collection method: clinical testing. Allele origin: germline. Affected: yes. Observed: 1 variant allele.
Comment: TRPM1: BP4, BS2

Cambridge Genomics Laboratory, East Genomic Laboratory Hub, NHS Genomic Medicine Service
Classification: Benign for Cone-rod dystrophy. Last evaluated: 2020-01-13. Review status: criteria provided, single submitter. Criteria: ACGS Best Practice Guidelines for Variant Classification in Rare Disease 2020. Collection method: clinical testing. Allele origin: germline. Affected: yes. Observed: 1 variant allele.

Illumina Laboratory Services, Illumina
Classification: Benign for Congenital stationary night blindness 1C. Last evaluated: 2018-01-13. Review status: criteria provided, single submitter. Criteria: ICSL Variant Classification Criteria 13 December 2019. Collection method: clinical testing. Allele origin: germline.
Comment: This variant was observed in the ICSL laboratory as part of a predisposition screen in an ostensibly healthy population. It had not been previously curated by ICSL or reported in the Human Gene Mutation Database (HGMD: prior to June 1st, 2018), and was therefore a candidate for classification through an automated scoring system. Utilizing variant allele frequency, disease prevalence and penetrance estimates, and inheritance mode, an automated score was calculated to assess if this variant is too frequent to cause the disease. Based on the score and internal cut-off values, a variant classified as benign is not then subjected to further curation. The score for this variant resulted in a classification of benign for this disease.

Breakthrough Genomics
Classification: Benign. Review status: criteria provided, single submitter. Criteria: ACMG Guidelines, 2015. Collection method: not provided. Allele origin: germline. Inheritance: Unknown mechanism. Affected: yes.

PreventionGenetics, part of Exact Sciences
Classification: Likely benign for TRPM1-related condition. Last evaluated: 2019-06-07. Review status: no assertion criteria provided. Collection method: clinical testing. Allele origin: germline. Not counted in ClinVar's aggregate classification.
Comment: This variant is classified as likely benign based on ACMG/AMP sequence variant interpretation guidelines (Richards et al. 2015 PMID: 25741868, with internal and published modifications).

NM_001252024.2(TRPM1):c.3907G>A (p.Glu1303Lys)

Gene: TRPM1 (transient receptor potential cation channel subfamily M member 1; minus strand). Cytogenetic location: 15q13.3.
Variant type: single nucleotide variant.
Coding change: c.3907G>A on transcript NM_001252024.2 (MANE Select); coding-DNA position 3907, G replaced by A.
Protein change: p.Glu1303Lys; replaces glutamic acid 1303 with lysine.
Molecular consequence: missense variant.
Genome position (GRCh38, 1-based): chr15:31,002,793, C>T on the plus strand (G>A on the coding strand, the complement: TRPM1 is on the minus strand). VCF-style: chr15-31002793-C-T. GRCh37 (hg19) VCF-style: chr15-31294996-C-T.
Other names: c.3958G>A (NM_001252020.1); c.3958G>A, p.Glu1320Lys (NM_001252020.2); c.3841G>A, p.Glu1281Lys (NM_002420.6); short protein forms E1281K, E1320K, E1303K.
Identifiers: ClinVar variation 718357 (VCV000718357.34), dbSNP rs117855013, ClinGen allele CA7451732.